The following is an entry in ClinVar:

ClinVar aggregate classification (germline): Uncertain significance (1 of 4 stars; one submission).

Allele frequency attached by ClinVar (database versions not stated): TOPMed below 0.00001; ExAC 0.00001; gnomAD 0.00001; ESP Exome Variant Server 0.00008.
gnomAD v4.1: 1 of 1,613,824 alleles (0.000062%); highest among the groups gnomAD compares: Non-Finnish European, 0.000085%; no homozygotes.

Submission:

Ambry Genetics
Classification: Uncertain significance. Last evaluated: 2023-05-25. Review status: criteria provided, single submitter. Criteria: Ambry Variant Classification Scheme 2023. Collection method: clinical testing. Allele origin: germline.
Comment: The p.F632I variant (also known as c.1894T>A), located in coding exon 12 of the POLQ gene, results from a T to A substitution at nucleotide position 1894. The phenylalanine at codon 632 is replaced by isoleucine, an amino acid with highly similar properties. This amino acid position is conserved. In addition, the in silico prediction for this alteration is inconclusive. Since supporting evidence is limited at this time, the clinical significance of this alteration remains unclear.

NM_199420.4(POLQ):c.1894T>A (p.Phe632Ile)

Gene: POLQ (DNA polymerase theta; minus strand). Cytogenetic location: 3q13.33.
Variant type: single nucleotide variant.
Coding change: c.1894T>A on transcript NM_199420.4 (MANE Select); coding-DNA position 1894, T replaced by A.
Protein change: p.Phe632Ile; replaces phenylalanine 632 with isoleucine.
Molecular consequence: missense variant.
Genome position (GRCh38, 1-based): chr3:121,509,626, A>T on the plus strand (T>A on the coding strand, the complement: POLQ is on the minus strand). VCF-style: chr3-121509626-A-T. GRCh37 (hg19) VCF-style: chr3-121228473-A-T.
Other names: short protein forms F632I.
Identifiers: ClinVar variation 2563863 (VCV002563863.2), dbSNP rs372070528, ClinGen allele CA2563419.